The following is an entry in ClinVar:

NM_001040142.2(SCN2A):c.5211C>A (p.His1737Gln)

Gene: SCN2A (sodium voltage-gated channel alpha subunit 2; plus strand). Cytogenetic location: 2q24.3.
Variant type: single nucleotide variant.
Coding change: c.5211C>A on transcript NM_001040142.2 (MANE Select); coding-DNA position 5211, C replaced by A.
Protein change: p.His1737Gln; replaces histidine 1737 with glutamine.
Molecular consequence: missense variant.
Genome position (GRCh38, 1-based): chr2:165,389,017, C>A. VCF-style: chr2-165389017-C-A. GRCh37 (hg19) VCF-style: chr2-166245527-C-A.
Other names: c.5211C>A, p.His1737Gln (NM_001040143.2, NM_001371246.1, NM_001371247.1 and 1 more transcripts); short protein forms H1737Q.
Identifiers: ClinVar variation 2663304 (VCV002663304.3), dbSNP rs2105402755, ClinGen allele CA349038457.

ClinVar aggregate classification (germline): Uncertain significance. Review status: criteria provided, multiple submitters, no conflicts (2 of 4 stars). 2 submissions from 2 submitters: Uncertain significance (2). Last evaluated 2025-08-12.

Conditions:
Seizures, benign familial infantile, 3 (BFIS3). Also called: CONVULSIONS, BENIGN FAMILIAL INFANTILE, 3; Familial neonatal seizures. Identifiers: Orphanet 140927, Orphanet 306, MedGen C1843140, MONDO:0011904, OMIM 607745.
Developmental and epileptic encephalopathy, 11 (DEE11). Also called: Early infantile epileptic encephalopathy 11. Identifiers: Orphanet 1934, MedGen C3150987, MONDO:0013388, OMIM 613721.

Allele frequency attached by ClinVar (database versions not stated): gnomAD exomes below 0.00001.
gnomAD v4.1: 1 of 1,614,098 alleles (0.000062%); highest among the groups gnomAD compares: Non-Finnish European, 0.000085%; no homozygotes.

Submissions (2):

GeneDx
Classification: Uncertain significance. Last evaluated: 2025-08-12. Review status: criteria provided, single submitter. Criteria: GeneDx Variant Classification Process June 2021. Collection method: clinical testing. Allele origin: germline.
Comment: Previously reported as a variant of uncertain significance in a proband with developmental epileptic encephalopathy (PMID: 35886038); In silico analysis supports that this missense variant has a deleterious effect on protein structure/function; Not observed at significant frequency in large population cohorts (gnomAD); This substitution is predicted to be within the extracellular loop between the S5 and S6 transmembrane segments of the fourth homologous domain; This variant is associated with the following publications: (PMID: 35886038)

Labcorp Genetics (formerly Invitae), Labcorp
Classification: Uncertain significance for Seizures, benign familial infantile, 3; Developmental and epileptic encephalopathy, 11. Last evaluated: 2025-04-10. Review status: criteria provided, single submitter. Criteria: Invitae Variant Classification Sherloc (09022015). Collection method: clinical testing. Allele origin: germline.
Comment: This sequence change replaces histidine, which is basic and polar, with glutamine, which is neutral and polar, at codon 1737 of the SCN2A protein (p.His1737Gln). This variant is not present in population databases (gnomAD no frequency). This missense change has been observed in individual(s) with early-onset developmental epileptic encephalopathy (PMID: 35886038). ClinVar contains an entry for this variant (Variation ID: 2663304). Invitae Evidence Modeling of protein sequence and biophysical properties (such as structural, functional, and spatial information, amino acid conservation, physicochemical variation, residue mobility, and thermodynamic stability) has been performed for this missense variant. However, the output from this modeling did not meet the statistical confidence thresholds required to predict the impact of this variant on SCN2A protein function. In summary, the available evidence is currently insufficient to determine the role of this variant in disease. Therefore, it has been classified as a Variant of Uncertain Significance.

Literature cited by the submitters: PubMed 35886038 (cited by Labcorp Genetics (formerly Invitae), Labcorp).